The following is an entry in ClinVar:

NM_001038603.3(MARVELD2):c.1170G>A (p.Ser390=)

Gene: MARVELD2 (MARVEL domain containing 2; plus strand). Cytogenetic location: 5q13.2.
Variant type: single nucleotide variant.
Coding change: c.1170G>A on transcript NM_001038603.3 (MANE Select); coding-DNA position 1170, G replaced by A.
Protein change: p.Ser390=; no amino-acid change (serine 390 retained).
Molecular consequence: synonymous variant. On other transcripts: intron variant (1).
Genome position (GRCh38, 1-based): chr5:69,424,624, G>A. VCF-style: chr5-69424624-G-A. GRCh37 (hg19) VCF-style: chr5-68720451-G-A.
Other names: c.1146+4093G>A (NM_001244734.2); c.1170G>A (NM_001038603.2).
Identifiers: ClinVar variation 1556597 (VCV001556597.13), dbSNP rs143508474, ClinGen allele CA3294193.

ClinVar aggregate classification (germline): Likely benign. Review status: criteria provided, multiple submitters, no conflicts (2 of 4 stars). 4 submissions from 4 submitters: Likely benign (3). 1 of the submissions does not count toward it. Last evaluated 2026-05-01.

Conditions:
MARVELD2-related disorder. Also called: MARVELD2-related condition.

Allele frequency attached by ClinVar (database versions not stated): ESP Exome Variant Server 0.00038.
gnomAD v4.1: 223 of 1,601,960 alleles (0.014%); highest among the groups gnomAD compares: Non-Finnish European, 0.013%; no homozygotes.

Submissions (4):

CeGaT Center for Human Genetics Tuebingen
Classification: Likely benign. Last evaluated: 2026-05-01. Review status: criteria provided, single submitter. Criteria: CeGaT Center For Human Genetics Tuebingen Variant Classification Criteria Version 2. Collection method: clinical testing. Allele origin: germline. Affected: yes. Observed: 1 variant allele.
Comment: MARVELD2: BP4, BP7

Labcorp Genetics (formerly Invitae), Labcorp
Classification: Likely benign. Last evaluated: 2025-08-04. Review status: criteria provided, single submitter. Criteria: Invitae Variant Classification Sherloc (09022015). Collection method: clinical testing. Allele origin: germline.

Blueprint Genetics
Classification: Likely benign. Last evaluated: 2024-11-12. Review status: criteria provided, single submitter. Criteria: ACMG Guidelines, 2015. Collection method: clinical testing. Allele origin: germline.

PreventionGenetics, part of Exact Sciences
Classification: Likely benign for MARVELD2-related condition. Last evaluated: 2019-09-04. Review status: no assertion criteria provided. Collection method: clinical testing. Allele origin: germline. Not counted in ClinVar's aggregate classification.
Comment: This variant is classified as likely benign based on ACMG/AMP sequence variant interpretation guidelines (Richards et al. 2015 PMID: 25741868, with internal and published modifications).